The following is an entry in ClinVar:

ClinVar aggregate classification (germline): Likely benign. Review status: criteria provided, multiple submitters, no conflicts (2 of 4 stars). 3 submissions from 3 submitters: Likely benign (3). Last evaluated 2024-06-30.

Conditions:
Cardiovascular phenotype. Identifiers: MedGen CN230736.
Catecholaminergic polymorphic ventricular tachycardia (CVPT). Also called: Catecholamine-induced polymorphic ventricular tachycardia. Identifiers: Orphanet 3286, MedGen C5574922, MONDO:0017990.

Submissions (3):

Ambry Genetics
Classification: Likely benign for Cardiovascular phenotype. Last evaluated: 2024-06-30. Review status: criteria provided, single submitter. Criteria: Ambry Variant Classification Scheme 2023. Collection method: clinical testing. Allele origin: germline.

All of Us Research Program, National Institutes of Health
Classification: Likely benign for Catecholaminergic polymorphic ventricular tachycardia. Last evaluated: 2023-08-15. Review status: criteria provided, single submitter. Criteria: ACMG Guidelines, 2015. Collection method: clinical testing. Allele origin: germline. Inheritance: Autosomal dominant inheritance. Observed: 1 variant allele, 1 heterozygote.
Comment: This study involves interpretation of variants in research participants for the purpose of population health screening. Participant phenotype was not available at the time of variant classification. Additional details can be found in publication PMID: 35346344, PMCID: PMC8962531

CeGaT Center for Human Genetics Tuebingen
Classification: Likely benign. Last evaluated: 2021-07-01. Review status: criteria provided, single submitter. Criteria: CeGaT Center For Human Genetics Tuebingen Variant Classification Criteria Version 2. Collection method: clinical testing. Allele origin: germline. Affected: yes. Observed: 1 variant allele.

NM_001035.3(RYR2):c.9363A>G (p.Leu3121=)

Gene: RYR2 (ryanodine receptor 2; plus strand). Cytogenetic location: 1q43.
Variant type: single nucleotide variant.
Coding change: c.9363A>G on transcript NM_001035.3 (MANE Select); coding-DNA position 9363, A replaced by G.
Protein change: p.Leu3121=; no amino-acid change (leucine 3121 retained).
Molecular consequence: synonymous variant.
Genome position (GRCh38, 1-based): chr1:237,700,463, A>G. VCF-style: chr1-237700463-A-G. GRCh37 (hg19) VCF-style: chr1-237863763-A-G.
Other names: c.9363A>G (NM_001035.2).
Identifiers: ClinVar variation 1298462 (VCV001298462.37), dbSNP rs2149032167, ClinGen allele CA424031548.